The following is an entry in ClinVar:

ClinVar aggregate classification (germline): Uncertain significance (1 of 4 stars; one submission).

Conditions:
Symmetrical dyschromatosis of extremities (DSH). Also called: DYSCHROMATOSIS SYMMETRICA HEREDITARIA 1; RETICULATE ACROPIGMENTATION OF DOHI; SYMMETRIC DYSCHROMATOSIS OF THE EXTREMITIES; Dyschromatosis symmetrica hereditaria. Identifiers: Orphanet 41, MedGen C0406775, MONDO:0007483, OMIM 127400.
Aicardi-Goutieres syndrome 6 (AGS6). Identifiers: Orphanet 51, MedGen C3539013, MONDO:0014007, OMIM 615010.

gnomAD v4.1: 1 of 1,613,976 alleles (0.000062%); highest among the groups gnomAD compares: Non-Finnish European, 0.000085%; no homozygotes.

Submission:

Labcorp Genetics (formerly Invitae), Labcorp
Classification: Uncertain significance for Aicardi-Goutieres syndrome 6; Symmetrical dyschromatosis of extremities. Last evaluated: 2025-01-01. Review status: criteria provided, single submitter. Criteria: Invitae Variant Classification Sherloc (09022015). Collection method: clinical testing. Allele origin: germline.
Comment: This sequence change replaces serine, which is neutral and polar, with glycine, which is neutral and non-polar, at codon 962 of the ADAR protein (p.Ser962Gly). The frequency data for this variant in the population databases is considered unreliable, as metrics indicate poor data quality at this position in the gnomAD database. This variant has not been reported in the literature in individuals affected with ADAR-related conditions. An algorithm developed to predict the effect of missense changes on protein structure and function (PolyPhen-2) suggests that this variant is likely to be disruptive. Algorithms developed to predict the effect of sequence changes on RNA splicing suggest that this variant may disrupt the consensus splice site. In summary, the available evidence is currently insufficient to determine the role of this variant in disease. Therefore, it has been classified as a Variant of Uncertain Significance.

NM_001111.5(ADAR):c.2884A>G (p.Ser962Gly)

Gene: ADAR (adenosine deaminase RNA specific; minus strand). Cytogenetic location: 1q21.3.
Variant type: single nucleotide variant.
Coding change: c.2884A>G on transcript NM_001111.5 (MANE Select); coding-DNA position 2884, A replaced by G.
Protein change: p.Ser962Gly; replaces serine 962 with glycine.
Molecular consequence: missense variant.
Genome position (GRCh38, 1-based): chr1:154,588,552, T>C on the plus strand (A>G on the coding strand, the complement: ADAR is on the minus strand). VCF-style: chr1-154588552-T-C. GRCh37 (hg19) VCF-style: chr1-154561028-T-C.
Other names: c.2806A>G, p.Ser936Gly (NM_015840.4); c.2749A>G, p.Ser917Gly (NM_015841.4); c.1999A>G, p.Ser667Gly (NM_001193495.2, NM_001365046.1, NM_001365047.1 and 2 more transcripts); c.2911A>G, p.Ser971Gly (NM_001365045.1); c.1921A>G, p.Ser641Gly (NM_001365049.1); short protein forms S641G, S667G, S917G, S936G, S962G, S971G.
Identifiers: ClinVar variation 3760229 (VCV003760229.2).